The following is an entry in ClinVar:

ClinVar aggregate classification (germline): Uncertain significance (1 of 4 stars; one submission).

Submission:

GeneDx
Classification: Uncertain significance. Last evaluated: 2025-08-13. Review status: criteria provided, single submitter. Criteria: GeneDx Variant Classification Process June 2021. Collection method: clinical testing. Allele origin: germline. Affected: yes.
Comment: Not observed at significant frequency in large population cohorts (gnomAD); Frameshift variant predicted to result in protein truncation or nonsense mediated decay in a gene or region of a gene for which loss of function is not a well-established mechanism of disease; Has not been previously published as pathogenic or benign to our knowledge

NM_017852.5(NLRP2):c.2102dup (p.Met702fs)

Gene: NLRP2 (NLR family pyrin domain containing 2; plus strand). Cytogenetic location: 19q13.42.
Variant type: Duplication.
Coding change: c.2102dup on transcript NM_017852.5 (MANE Select); coding-DNA position 2102, one base duplicated (T; older notation c.2102dupT).
Protein change: p.Met702fs; shifts the reading frame from methionine 702.
Molecular consequence: frameshift variant. On other transcripts: non-coding transcript variant (1).
Genome position (GRCh38, 1-based): chr19:54,985,118, T duplicated. VCF-style (leftmost placement, unchanged base first): chr19-54985117-C-CT. GRCh37 (hg19) VCF-style: chr19-55496485-C-CT.
Other names: c.2102dup, p.Met702fs (NM_001174081.3); c.2036dup, p.Met680fs (NM_001174082.3); c.2033dup, p.Met679fs (NM_001174083.2); c.2093dup, p.Met699fs (NM_001348003.2); short protein forms M679fs, M680fs, M699fs, M702fs.
Identifiers: ClinVar variation 4795697 (VCV004795697.1).
Genomic context (GRCh38, chr19:54,985,117, plus strand): 5'-GATCAGCACATGCTTCCTTTCTGGACGGACCTTTGTTCCATATTTGGATCAAATAAGGAT[C>CT]TGATGGGTCTAGCAATCAATGATAGCTTTCTCAGTGCCTCCCTAGTAAGGATCCTGTGTG-3'